The following is an entry in ClinVar:

ClinVar aggregate classification (germline): Conflicting classifications of pathogenicity. Review status: criteria provided, conflicting classifications (1 of 4 stars). 6 submissions from 6 submitters: Pathogenic (1); Likely pathogenic (4); Uncertain significance (1). Last evaluated 2024-12-13.

Conditions:
TCIRG1-related disorder. Also called: TCIRG1-related condition.
Autosomal recessive osteopetrosis 1. Also called: TCIRG1-Related Autosomal Recessive Osteopetrosis; ALBERS-SCHONBERG DISEASE, AUTOSOMAL RECESSIVE; TCIRG1-Related Osteopetrosis. Identifiers: Orphanet 667, MedGen C1850127, MONDO:0009815, OMIM 259700.

gnomAD v4.1: 39 of 1,603,364 alleles (0.0024%); highest among the groups gnomAD compares: South Asian, 0.043%; no homozygotes.

Submissions (6):

Natera, Inc.
Classification: Likely pathogenic for Infantile malignant osteopetrosis. Last evaluated: 2024-12-13. Review status: criteria provided, single submitter. Criteria: Natera Variant Classification Schema (03/2026). Collection method: clinical testing. Allele origin: germline.
Comment: The c.117+4A>C variant in TCIRG1 is an intronic variant located outside the canonical splice sites. This variant is rare in the general population with a frequency below the threshold expected for the associated phenotype(s). This variant has been observed in one or more individuals affected with the associated recessive disease, as either homozygous or compound heterozygous with a second variant (PMID: 30537558). This variant has been observed to segregate in affected family members (PMID: 30537558). Computational prediction algorithms indicate this variant is likely to affect gene or protein function. Given the available evidence, this variant is classified as Likely Pathogenic.

Fulgent Genetics
Classification: Likely pathogenic for Autosomal recessive osteopetrosis 1. Last evaluated: 2024-06-19. Review status: criteria provided, single submitter. Criteria: ACMG Guidelines, 2015. Collection method: clinical testing. Allele origin: germline.

Labcorp Genetics (formerly Invitae), Labcorp
Classification: Pathogenic. Last evaluated: 2024-06-19. Review status: criteria provided, single submitter. Criteria: Invitae Variant Classification Sherloc (09022015). Collection method: clinical testing. Allele origin: germline.
Comment: This sequence change falls in intron 2 of the TCIRG1 gene. It does not directly change the encoded amino acid sequence of the TCIRG1 protein. It affects a nucleotide within the consensus splice site. This variant is present in population databases (rs751881962, gnomAD 0.03%). This variant has been observed in individual(s) with TCIRG1-related conditions (PMID: 30537558). In at least one individual the data is consistent with being in trans (on the opposite chromosome) from a pathogenic variant. It has also been observed to segregate with disease in related individuals. ClinVar contains an entry for this variant (Variation ID: 1334165). Variants that disrupt the consensus splice site are a relatively common cause of aberrant splicing (PMID: 17576681, 9536098). Algorithms developed to predict the effect of sequence changes on RNA splicing suggest that this variant may disrupt the consensus splice site. This variant disrupts the c.117+4 nucleotide in the TCIRG1 gene. Other variant(s) that disrupt this nucleotide have been determined to be pathogenic (PMID: 10942435, 15300850, 19507210, 24989235). This suggests that this nucleotide is clinically significant, and that variants that disrupt this position are likely to be disease-causing. For these reasons, this variant has been classified as Pathogenic.

Baylor Genetics
Classification: Likely pathogenic for Autosomal recessive osteopetrosis 1. Last evaluated: 2024-02-05. Review status: criteria provided, single submitter. Criteria: ACMG Guidelines, 2015. Collection method: clinical testing. Allele origin: unknown.

Blueprint Genetics
Classification: Likely pathogenic for TCIRG1-related disorders. Last evaluated: 2023-09-08. Review status: criteria provided, single submitter. Criteria: ACMG Guidelines, 2015. Collection method: clinical testing. Allele origin: germline. Affected: yes. Observed: 2 variant alleles.

Myriad Genetics, Inc.
Classification: Uncertain significance for Autosomal recessive osteopetrosis 1. Last evaluated: 2021-11-03. Review status: criteria provided, single submitter. Criteria: Myriad Women's Health Autosomal Recessive and X-Linked Classification Criteria (2021). Collection method: clinical testing. Allele origin: unknown.
Comment: NM_006019.3(TCIRG1):c.117+4A>C is an intronic variant classified as a variant of uncertain significance in the context of autosomal recessive osteopetrosis type 1. c.117+4A>C has been observed in cases with relevant disease (PMID: 30537558). Functional assessments of this variant are not available in the literature. c.117+4A>C has been observed in population frequency databases (gnomAD: SAS 0.03%). In summary, there is insufficient evidence to classify NM_006019.3(TCIRG1):c.117+4A>C as pathogenic or benign. Please note: this variant was assessed in the context of healthy population screening.

Literature cited by the submitters: PubMed 30537558 (cited by 3 submitters); PubMed 17576681 (cited by Labcorp Genetics (formerly Invitae), Labcorp); PubMed 9536098 (cited by Labcorp Genetics (formerly Invitae), Labcorp); PubMed 10942435 (cited by Labcorp Genetics (formerly Invitae), Labcorp); PubMed 15300850 (cited by Labcorp Genetics (formerly Invitae), Labcorp); PubMed 19507210 (cited by Labcorp Genetics (formerly Invitae), Labcorp); PubMed 24989235 (cited by Labcorp Genetics (formerly Invitae), Labcorp).

NM_006019.4(TCIRG1):c.117+4A>C

Gene: TCIRG1 (T cell immune regulator 1, ATPase H+ transporting V0 subunit a3; plus strand). Cytogenetic location: 11q13.2.
Variant type: single nucleotide variant.
Coding change: c.117+4A>C on transcript NM_006019.4 (MANE Select); 4 bases into the intron after coding-DNA position 117, A replaced by C.
Molecular consequence: intron variant.
Genome position (GRCh38, 1-based): chr11:68,041,392, A>C. VCF-style: chr11-68041392-A-C. GRCh37 (hg19) VCF-style: chr11-67808859-A-C.
Other names: c.-1133+4A>C (NM_001351059.2); c.117+4A>C (NM_006019.3).
Identifiers: ClinVar variation 1334165 (VCV001334165.14), dbSNP rs751881962, ClinGen allele CA6146639.